The following is an entry in ClinVar:

NM_004168.4(SDHA):c.1951del (p.Glu651fs)

Gene: SDHA (succinate dehydrogenase complex flavoprotein subunit A; plus strand). Cytogenetic location: 5p15.33.
Variant type: Deletion.
Coding change: c.1951del on transcript NM_004168.4 (MANE Select); coding-DNA position 1951, one base deleted (G; older notation c.1951delG).
Protein change: p.Glu651fs; shifts the reading frame from glutamic acid 651.
Molecular consequence: frameshift variant.
Genome position (GRCh38, 1-based): chr5:256,376, G deleted. VCF-style (leftmost placement, unchanged base first): chr5-256375-CG-C. GRCh37 (hg19) VCF-style: chr5-256490-CG-C.
Other names: c.1807del, p.Glu603fs (NM_001294332.2); c.1708del, p.Glu570fs (NM_001330758.2); short protein forms E570fs, E651fs, E603fs.
Identifiers: ClinVar variation 575757 (VCV000575757.9), dbSNP rs1561016316, ClinGen allele CA891842760.

ClinVar aggregate classification (germline): Uncertain significance (1 of 4 stars; one submission).

Conditions:
Mitochondrial complex II deficiency, nuclear type 1. Also called: SUCCINATE CoQ REDUCTASE DEFICIENCY. Identifiers: Orphanet 3208, MedGen C5700310, MONDO:0100294, OMIM 252011.
Pheochromocytoma/paraganglioma syndrome 5. Also called: Paragangliomas 5; SDHA-Related Hereditary Paraganglioma-Pheochromocytoma Syndrome. Identifiers: Orphanet 29072, MedGen C3279992, MONDO:0013602, OMIM 614165.

Submission:

Labcorp Genetics (formerly Invitae), Labcorp
Classification: Uncertain significance for Pheochromocytoma/paraganglioma syndrome 5; Mitochondrial complex II deficiency, nuclear type 1. Last evaluated: 2025-03-15. Review status: criteria provided, single submitter. Criteria: Invitae Variant Classification Sherloc (09022015). Collection method: clinical testing. Allele origin: germline.
Comment: This sequence change results in a frameshift in the SDHA gene (p.Glu651Argfs*31). While this is not anticipated to result in nonsense mediated decay, it is expected to disrupt the last 14 amino acid(s) of the SDHA protein and extend the protein by 16 additional amino acid residues. This variant is not present in population databases (gnomAD no frequency). This variant has not been reported in the literature in individuals affected with SDHA-related conditions. ClinVar contains an entry for this variant (Variation ID: 575757). Experimental studies and prediction algorithms are not available or were not evaluated, and the functional significance of this variant is currently unknown. In summary, the available evidence is currently insufficient to determine the role of this variant in disease. Therefore, it has been classified as a Variant of Uncertain Significance.